The following is an entry in ClinVar:

NM_000390.4(CHM):c.813G>C (p.Val271=)

Gene: CHM (CHM Rab escort protein; minus strand). Cytogenetic location: Xq21.2.
Variant type: single nucleotide variant.
Coding change: c.813G>C on transcript NM_000390.4 (MANE Select); coding-DNA position 813, G replaced by C.
Protein change: p.Val271=; no amino-acid change (valine 271 retained).
Molecular consequence: synonymous variant.
Genome position (GRCh38, 1-based): chrX:85,958,867, C>G on the plus strand (G>C on the coding strand, the complement: CHM is on the minus strand). VCF-style: chrX-85958867-C-G. GRCh37 (hg19) VCF-style: chrX-85213872-C-G.
Other names: c.813G>C (NM_000390.3); c.369G>C, p.Val123= (NM_001320959.1, NM_001362517.1, NM_001362518.2 and 1 more transcripts).
Identifiers: ClinVar variation 1168557 (VCV001168557.10), dbSNP rs763798214, ClinGen allele CA10465523.

ClinVar aggregate classification (germline): Benign/Likely benign. Review status: criteria provided, multiple submitters, no conflicts (2 of 4 stars). 2 submissions from 2 submitters: Benign (1); Likely benign (1). Last evaluated 2025-06-03.

Conditions:
CHM-related disorder. Also called: CHM-related condition.

Allele frequency attached by ClinVar (database versions not stated): TOPMed 0.00002; gnomAD 0.00004; gnomAD exomes 0.00005 and 0.00010; ExAC 0.00006.
gnomAD v4.1: 26 of 1,209,563 alleles (0.0021%); highest among the groups gnomAD compares: Admixed American, 0.057%; no homozygotes.

Submissions (2):

PreventionGenetics, part of Exact Sciences
Classification: Likely benign for CHM-related condition. Last evaluated: 2025-06-03. Review status: criteria provided, single submitter. Criteria: ACMG Guidelines, 2015. Collection method: clinical testing. Allele origin: germline.
Comment: This variant is classified as likely benign based on ACMG/AMP sequence variant interpretation guidelines (Richards et al. 2015 PMID: 25741868, with internal and published modifications).

Labcorp Genetics (formerly Invitae), Labcorp
Classification: Benign. Last evaluated: 2025-03-20. Review status: criteria provided, single submitter. Criteria: Invitae Variant Classification Sherloc (09022015). Collection method: clinical testing. Allele origin: germline.